The following is an entry in ClinVar:

ClinVar aggregate classification (germline): Uncertain significance (1 of 4 stars; one submission).

Submission:

Labcorp Genetics (formerly Invitae), Labcorp
Classification: Uncertain significance. Last evaluated: 2022-03-28. Review status: criteria provided, single submitter. Criteria: Invitae Variant Classification Sherloc (09022015). Collection method: clinical testing. Allele origin: germline.
Comment: This sequence change replaces isoleucine, which is neutral and non-polar, with methionine, which is neutral and non-polar, at codon 189 of the CFD protein (p.Ile189Met). In summary, the available evidence is currently insufficient to determine the role of this variant in disease. Therefore, it has been classified as a Variant of Uncertain Significance. Algorithms developed to predict the effect of missense changes on protein structure and function are either unavailable or do not agree on the potential impact of this missense change (SIFT: "Not Available"; PolyPhen-2: "Probably Damaging"; Align-GVGD: "Not Available"). This variant has not been reported in the literature in individuals affected with CFD-related conditions. This variant is not present in population databases (gnomAD no frequency).

NM_001928.4(CFD):c.567C>G (p.Ile189Met)

Gene: CFD (complement factor D; plus strand). Cytogenetic location: 19p13.3.
Variant type: single nucleotide variant.
Coding change: c.567C>G on transcript NM_001928.4 (MANE Select); coding-DNA position 567, C replaced by G.
Protein change: p.Ile189Met; replaces isoleucine 189 with methionine.
Molecular consequence: missense variant.
Genome position (GRCh38, 1-based): chr19:861,908, C>G. VCF-style: chr19-861908-C-G. GRCh37 (hg19) VCF-style: chr19-861908-C-G.
Other names: c.588C>G, p.Ile196Met (NM_001317335.2); short protein forms I189M, I196M.
Identifiers: ClinVar variation 2118968 (VCV002118968.4), dbSNP rs2512178541, ClinGen allele CA402923024.